The following is an entry in ClinVar:

ClinVar aggregate classification (germline): Uncertain significance (1 of 4 stars; one submission).

Conditions:
TTN-related disorder. Also called: TTN-related condition; TTN-related disease; TTN-related disorders.

gnomAD v4.1: 1 of 1,612,344 alleles (0.000062%); no homozygotes.

Submission:

PreventionGenetics, part of Exact Sciences
Classification: Uncertain significance for TTN-related condition. Last evaluated: 2025-03-14. Review status: criteria provided, single submitter. Criteria: ACMG Guidelines, 2015. Collection method: clinical testing. Allele origin: germline.
Comment: The TTN c.39242A>G variant is predicted to result in the amino acid substitution p.Glu13081Gly. To our knowledge, this variant has not been reported in the literature or in a large population database (gnomAD), indicating this variant is rare. At this time, the clinical significance of this variant is uncertain due to the absence of conclusive functional and genetic evidence.

NM_001267550.2(TTN):c.39242A>G (p.Glu13081Gly)

Gene: TTN (titin; minus strand). Cytogenetic location: 2q31.2.
Variant type: single nucleotide variant.
Coding change: c.39242A>G on transcript NM_001267550.2 (MANE Select); coding-DNA position 39242, A replaced by G.
Protein change: p.Glu13081Gly; replaces glutamic acid 13081 with glycine.
Molecular consequence: missense variant. On other transcripts: intron variant (3).
Genome position (GRCh38, 1-based): chr2:178,652,149, T>C on the plus strand (A>G on the coding strand, the complement: TTN is on the minus strand). VCF-style: chr2-178652149-T-C. GRCh37 (hg19) VCF-style: chr2-179516876-T-C.
Other names: c.34721A>G, p.Glu11574Gly (NM_001256850.1); c.31940A>G, p.Glu10647Gly (NM_133378.4); c.13283-9832A>G (NM_003319.4); c.13859-9832A>G (NM_133437.4); c.13658-9832A>G (NM_133432.3); short protein forms E13081G, E11574G, E10647G.
Identifiers: ClinVar variation 4979982 (VCV004979982.1).
Genomic context (GRCh38, chr2:178,652,149, plus strand): 5'-TTATTACCTTCAGGGGGAGGACTTTCCGGTTTGGGAGGAATAGCTTCAGGCACCTTCTTT[T>C]CTGGGACAGCTACCTTTGGCACCTCTGGGACTTTAAAAGATATTATTATTTTCATTGTTA-3'
Protein context (NP_001254479.2, residues 13071-13091): VPEVPKVAVP[Glu13081Gly]KKVPEAIPPK